The following is an entry in ClinVar:

NC_000002.12:g.32154379_32154380insGGCCGGGCGCGGTGGCTCACGCCTGTAATCCCAGCACTTTGGGAGGCCGAGGCGGGTGGATCATGAGGTNNNNNNNNNNAAAAAAAAAAAAAAAAAAAATAAAAATCTAGATGAGA

Gene: SPAST (spastin; plus strand). Cytogenetic location: 2p22.3.
Variant type: Insertion.
Genome position: GRCh38: chr2:32,154,379-32,154,380. GRCh37 (hg19): chr2:32,379,448-32,379,449.
Identifiers: ClinVar variation 2833014 (VCV002833014.3).

ClinVar aggregate classification (germline): Pathogenic (1 of 4 stars; one submission).

Conditions:
Hereditary spastic paraplegia 4. Also called: Spastic paraplegia 4, autosomal dominant; Spastic Paraplegia 4; Familial spastic paraplegia autosomal dominant 2. Identifiers: Orphanet 100985, MedGen C1866855, MONDO:0008438, OMIM 182601.

Submission:

Labcorp Genetics (formerly Invitae), Labcorp
Classification: Pathogenic for Hereditary spastic paraplegia 4. Last evaluated: 2023-09-12. Review status: criteria provided, single submitter. Criteria: Invitae Variant Classification Sherloc (09022015). Collection method: clinical testing. Allele origin: germline.
Comment: This variant has not been reported in the literature in individuals affected with SPAST-related conditions. Algorithms developed to predict the effect of sequence changes on RNA splicing suggest that this variant may disrupt the consensus splice site. This variant disrupts a region of the SPAST protein in which other variant(s) (p.Thr614Ile) have been determined to be pathogenic (PMID: 15159500, 21834905). This suggests that this is a clinically significant region of the protein, and that variants that disrupt it are likely to be disease-causing. Retrotransposon insertions including LINE1 (L1), Alu, and SVA (SINE-VNTR-Alu) have been reported to disrupt protein function (PMID: 19763152, 20307669, 22406018). However the effect of this particular variant is unknown. For these reasons, this variant has been classified as Pathogenic. This variant is not present in population databases (gnomAD no frequency). This sequence change inserts a large fragment of DNA, likely a transposable element, in exon 17 of the SPAST gene (c.1734_1735ins?), causing a frameshift at codon 578 (p.Arg578fs). The exact size and sequence of the insertion cannot be determined by the current assay. However, the insertion is expected to result in an absent or disrupted protein product.

Literature cited by the submitters: PubMed 15159500; PubMed 21834905; PubMed 19763152; PubMed 20307669; PubMed 22406018.